The following is an entry in ClinVar:

NM_003098.3(SNTA1):c.77A>G (p.Glu26Gly)

Genes: SNTA1 (syntrophin alpha 1; minus strand), LOC130065680 (ATAC-STARR-seq lymphoblastoid silent region 12812; plus strand). Cytogenetic location: 20q11.21.
Variant type: single nucleotide variant.
Coding change: c.77A>G on transcript NM_003098.3 (MANE Select); coding-DNA position 77, A replaced by G.
Protein change: p.Glu26Gly; replaces glutamic acid 26 with glycine.
Molecular consequence: missense variant.
Genome position (GRCh38, 1-based): chr20:33,443,544, T>C on the plus strand (A>G on the coding strand, the complement: SNTA1 is on the minus strand). VCF-style: chr20-33443544-T-C. GRCh37 (hg19) VCF-style: chr20-32031350-T-C.
Other names: short protein forms E26G.
Identifiers: ClinVar variation 2179883 (VCV002179883.6), dbSNP rs1234604785, ClinGen allele CA408634616.

ClinVar aggregate classification (germline): Uncertain significance. Review status: criteria provided, multiple submitters, no conflicts (2 of 4 stars). 2 submissions from 2 submitters: Uncertain significance (2). Last evaluated 2023-05-30.

Conditions:
Cardiovascular phenotype. Identifiers: MedGen CN230736.
Long QT syndrome (LQTS). Identifiers: MedGen C0023976, MeSH D008133, MONDO:0002442. Disease mechanism: loss of function. Inheritance: Various modes of inheritance.

gnomAD v4.1: 3 of 1,341,888 alleles (0.00022%); highest among the groups gnomAD compares: Non-Finnish European, 0.00029%; no homozygotes.

Submissions (2):

Ambry Genetics
Classification: Uncertain significance for Cardiovascular phenotype. Last evaluated: 2023-05-30. Review status: criteria provided, single submitter. Criteria: Ambry Variant Classification Scheme 2023. Collection method: clinical testing. Allele origin: germline.
Comment: The p.E26G variant (also known as c.77A>G), located in coding exon 1 of the SNTA1 gene, results from an A to G substitution at nucleotide position 77. The glutamic acid at codon 26 is replaced by glycine, an amino acid with similar properties. This amino acid position is conserved. In addition, this alteration is predicted to be tolerated by in silico analysis. Since supporting evidence is limited at this time, the clinical significance of this alteration remains unclear.

Labcorp Genetics (formerly Invitae), Labcorp
Classification: Uncertain significance for Long QT syndrome. Last evaluated: 2023-02-08. Review status: criteria provided, single submitter. Criteria: Invitae Variant Classification Sherloc (09022015). Collection method: clinical testing. Allele origin: germline.
Comment: In summary, the available evidence is currently insufficient to determine the role of this variant in disease. Therefore, it has been classified as a Variant of Uncertain Significance. Advanced modeling of protein sequence and biophysical properties (such as structural, functional, and spatial information, amino acid conservation, physicochemical variation, residue mobility, and thermodynamic stability) performed at Invitae indicates that this missense variant is not expected to disrupt SNTA1 protein function. This variant has not been reported in the literature in individuals affected with SNTA1-related conditions. This variant is not present in population databases (gnomAD no frequency). This sequence change replaces glutamic acid, which is acidic and polar, with glycine, which is neutral and non-polar, at codon 26 of the SNTA1 protein (p.Glu26Gly).